The following is an entry in ClinVar:

NM_007294.4(BRCA1):c.4998C>T (p.Tyr1666=)

Gene: BRCA1 (BRCA1 DNA repair associated; minus strand). Cytogenetic location: 17q21.31.
Variant type: single nucleotide variant.
Coding change: c.4998C>T on transcript NM_007294.4 (MANE Select); coding-DNA position 4998, C replaced by T.
Protein change: p.Tyr1666=; no amino-acid change (tyrosine 1666 retained).
Molecular consequence: synonymous variant. On other transcripts: intron variant (1).
Genome position (GRCh38, 1-based): chr17:43,067,684, G>A on the plus strand (C>T on the coding strand, the complement: BRCA1 is on the minus strand). VCF-style: chr17-43067684-G-A. GRCh37 (hg19) VCF-style: chr17-41219701-G-A.
Other names: c.4995C>T, p.Tyr1665= (NM_001407860.1, NM_001407610.1, NM_001407611.1 and 17 more transcripts); c.4992C>T, p.Tyr1664= (NM_001407861.1, NM_001407627.1, NM_001407628.1 and 14 more transcripts); c.4797C>T, p.Tyr1599= (NM_001407862.1); c.4872C>T, p.Tyr1624= (NM_001407863.1, NM_001407939.1, NM_001407940.1 and 11 more transcripts); c.4791C>T, p.Tyr1597= (NM_001407874.1, NM_001407875.1); c.4788C>T, p.Tyr1596= (NM_001407879.1, NM_001407881.1, NM_001407882.1 and 5 more transcripts); c.4785C>T, p.Tyr1595= (NM_001407894.1, NM_001407895.1, NM_001407896.1 and 12 more transcripts); c.4782C>T, p.Tyr1594= (NM_001407915.1, NM_001407916.1, NM_001407917.1 and 1 more transcripts); and 71 more.
Identifiers: ClinVar variation 187169 (VCV000187169.19), dbSNP rs730882165, ClinGen allele CA003147.
Genomic context (GRCh38, chr17:43,067,684, plus strand): 5'-ATGAGTAGTCTCTTCAGTAATTAGATTAGTTAAAGTGATGTGGTGTTTTCTGGCAAACTT[G>A]TACACGAGCATCTGAAATTAAATCAAATATTCCATTATCATGAGTTACCTCTAGCACACA-3'
Protein context (NP_009225.1, residues 1656-1676): GLTPEEFMLV[Tyr1666=]KFARKHHITL

ClinVar aggregate classification (germline): Likely benign. Review status: reviewed by expert panel (3 of 4 stars). 3 submissions from 3 submitters: Likely benign (1). 2 of the submissions do not count toward it. Last evaluated 2017-06-29.

Conditions:
Hereditary breast ovarian cancer syndrome. Also called: Hereditary breast and ovarian cancer syndrome; Hereditary breast and ovarian cancer syndrome (HBOC); BRCA1- and BRCA2-Associated Hereditary Breast and Ovarian Cancer; Breast and ovarian cancer; Hereditary breast and ovarian cancer; Hereditary breast and/or ovarian cancer syndrome. Identifiers: Orphanet 145, MedGen C0677776, MeSH D061325, MONDO:0003582. Disease mechanism: loss of function.
Breast-ovarian cancer, familial, susceptibility to, 1 (BROVCA1). Also called: OVARIAN CANCER, SUSCEPTIBILITY TO; BRCA1 Hereditary Breast and Ovarian Cancer. Identifiers: Orphanet 145, MedGen C2676676, MONDO:0011450, OMIM 604370. Disease mechanism: loss of function.
Hereditary cancer-predisposing syndrome. Also called: Hereditary Cancer Syndrome; Hereditary neoplastic syndrome; Tumor predisposition; Neoplastic Syndromes, Hereditary. Identifiers: Orphanet 140162, MedGen C0027672, MeSH D009386, MONDO:0015356.

Allele frequency attached by ClinVar (database versions not stated): gnomAD exomes below 0.00001; TOPMed below 0.00001.
gnomAD v4.1: 2 of 1,611,880 alleles (0.00012%); highest among the groups gnomAD compares: East Asian, 0.0045%; no homozygotes.

Submissions (4):

Evidence-based Network for the Interpretation of Germline Mutant Alleles (ENIGMA)
Classification: Likely benign for Breast-ovarian cancer, familial, susceptibility to, 1. Last evaluated: 2017-06-29. Review status: reviewed by expert panel. Criteria: ENIGMA BRCA1/2 Classification Criteria (2017-06-29). Collection method: curation. Allele origin: germline.
Comment: Synonymous substitution variant, with low bioinformatic likelihood to result in a splicing aberration (Splicing prior probability 0.02).

Labcorp Genetics (formerly Invitae), Labcorp
Classification: Likely benign for Hereditary breast ovarian cancer syndrome. Last evaluated: 2025-04-14. Review status: criteria provided, single submitter. Criteria: Invitae Variant Classification Sherloc (09022015). Collection method: clinical testing. Allele origin: germline. Not counted in ClinVar's aggregate classification.

Ambry Genetics
Classification: Likely benign for Hereditary cancer-predisposing syndrome. Last evaluated: 2014-11-14. Review status: criteria provided, single submitter. Criteria: Ambry Variant Classification Scheme 2023. Collection method: clinical testing. Allele origin: germline. Not counted in ClinVar's aggregate classification.

Brotman Baty Institute, University of Washington
No classification provided (evidence only). Condition: Breast-ovarian cancer, familial 1. Review status: no classification provided. Collection method: in vitro. Allele origin: not applicable. Functional consequence: function_uncertain_variant. Not counted in ClinVar's aggregate classification.
ClinVar note: "not provided" was previously submitted as the classification for the variant. However, the classification appeared to be based only on an observation of functional data so it was converted to no classification on 2025-07-30.